The following is an entry in ClinVar:

ClinVar aggregate classification (germline): Uncertain significance. Review status: criteria provided, multiple submitters, no conflicts (2 of 4 stars). 4 submissions from 4 submitters: Uncertain significance (4). Last evaluated 2026-03-01.

Conditions:
Pitt-Hopkins-like syndrome 2 (PTHSL2). Identifiers: Orphanet 221150, Orphanet 600663, MedGen C3280479, MONDO:0013690, OMIM 614325.

Allele frequency attached by ClinVar (database versions not stated): gnomAD 0.00015 and 0.00016; ESP Exome Variant Server 0.00016; TOPMed 0.00017; 1000 Genomes Project 30x 0.00031; 1000 Genomes Project 0.00040.
gnomAD v4.1: 99 of 1,603,048 alleles (0.0062%); highest among the groups gnomAD compares: African/African-American, 0.055%; no homozygotes.

Submissions (4):

CeGaT Center for Human Genetics Tuebingen
Classification: Uncertain significance. Last evaluated: 2026-03-01. Review status: criteria provided, single submitter. Criteria: CeGaT Center For Human Genetics Tuebingen Variant Classification Criteria Version 2. Collection method: clinical testing. Allele origin: germline. Affected: yes. Observed: 1 variant allele.

Labcorp Genetics (formerly Invitae), Labcorp
Classification: Uncertain significance for Pitt-Hopkins-like syndrome 2. Last evaluated: 2025-11-10. Review status: criteria provided, single submitter. Criteria: Invitae Variant Classification Sherloc (09022015). Collection method: clinical testing. Allele origin: germline.
Comment: This sequence change replaces threonine, which is neutral and polar, with methionine, which is neutral and non-polar, at codon 107 of the NRXN1 protein (p.Thr107Met). This variant is present in population databases (rs368549770, gnomAD 0.07%). This variant has not been reported in the literature in individuals affected with NRXN1-related conditions. ClinVar contains an entry for this variant (Variation ID: 436040). An algorithm developed to predict the effect of missense changes on protein structure and function (PolyPhen-2) suggests that this variant is likely to be tolerated. In summary, the available evidence is currently insufficient to determine the role of this variant in disease. Therefore, it has been classified as a Variant of Uncertain Significance.

GeneDx
Classification: Uncertain significance. Last evaluated: 2024-04-17. Review status: criteria provided, single submitter. Criteria: GeneDx Variant Classification Process June 2021. Collection method: clinical testing. Allele origin: germline. Affected: yes.
Comment: In silico analysis supports that this missense variant has a deleterious effect on protein structure/function; Missense variant in a gene in which most reported pathogenic variants are truncating/loss of function; Has not been previously published as pathogenic or benign to our knowledge

Genetic Services Laboratory, University of Chicago
Classification: Uncertain significance. Last evaluated: 2017-01-18. Review status: criteria provided, single submitter. Criteria: ACMG Guidelines, 2015. Collection method: clinical testing. Allele origin: germline. Affected: no.

NM_001330078.2(NRXN1):c.320C>T (p.Thr107Met)

Gene: NRXN1 (neurexin 1; minus strand). Cytogenetic location: 2p16.3.
Variant type: single nucleotide variant.
Coding change: c.320C>T on transcript NM_001330078.2 (MANE Select); coding-DNA position 320, C replaced by T.
Protein change: p.Thr107Met; replaces threonine 107 with methionine.
Molecular consequence: missense variant.
Genome position (GRCh38, 1-based): chr2:51,027,954, G>A on the plus strand (C>T on the coding strand, the complement: NRXN1 is on the minus strand). VCF-style: chr2-51027954-G-A. GRCh37 (hg19) VCF-style: chr2-51255092-G-A.
Other names: c.320C>T, p.Thr107Met (NM_001135659.3, NM_001330077.2, NM_001330079.2 and 15 more transcripts); short protein forms T107M.
Identifiers: ClinVar variation 436040 (VCV000436040.21), dbSNP rs368549770, ClinGen allele CA1655518.